The following is an entry in ClinVar:

NM_001079866.2(BCS1L):c.399del (p.Glu133fs)

Gene: BCS1L (BCS1 ubiquinol-cytochrome c reductase complex chaperone; plus strand). Cytogenetic location: 2q35.
Variant type: Deletion.
Coding change: c.399del on transcript NM_001079866.2 (MANE Select); coding-DNA position 399, one base deleted (A; older notation c.399delA).
Protein change: p.Glu133fs; shifts the reading frame from glutamic acid 133.
Molecular consequence: frameshift variant. On other transcripts: 5 prime UTR variant (5), non-coding transcript variant (1), intron variant (1).
Genome position (GRCh38, 1-based): chr2:218,661,484, A deleted; the last of 2 consecutive A bases (chr2:218,661,483-218,661,484); deleting either gives the same sequence. VCF-style (leftmost placement, unchanged base first): chr2-218661482-GA-G. GRCh37 (hg19) VCF-style: chr2-219526205-GA-G.
Other names: c.399del, p.Glu133fs (NM_001257342.2, NM_001257343.2, NM_001257344.2 and 10 more transcripts); c.39del, p.Glu13fs (NM_001318836.2, NM_001371451.1); c.-78del (NM_001371453.1, NM_001371454.1, NM_001371455.1 and 2 more transcripts); c.-41-275del (NM_001371452.1); c.399delA (NM_004328.4, NM_004328.5); short protein forms E13fs, E133fs.
Identifiers: ClinVar variation 631845 (VCV000631845.22), dbSNP rs751484879, ClinGen allele CA2109657.
Genomic context (GRCh38, chr2:218,661,482, plus strand): 5'-ATTCGGGTAGAACGAAGTCGAGAGATGCAGATGATAGACTTGCAGACGGGGACTCCTTGG[GA>G]ATCTGTCACCTTCACGGCCCTGGGCACTGACCGAAAGGTTTTCTTCAACATCCTGGAGGA-3'

ClinVar aggregate classification (germline): Pathogenic/Likely pathogenic. Review status: criteria provided, multiple submitters, no conflicts (2 of 4 stars). 8 submissions from 8 submitters: Pathogenic (6); Likely pathogenic (2). Last evaluated 2025-12-03.

Conditions:
BCS1L-related disorder. Also called: BCS1L-related condition; BCS1L-related disorders. Identifiers: MedGen CN239240.
Pili torti-deafness syndrome (BJS). Also called: PILI TORTI AND NERVE DEAFNESS; Bjornstad syndrome. Identifiers: Orphanet 123, MedGen C0266006, MONDO:0009872, OMIM 262000.
GRACILE syndrome (FLNMS). Also called: FELLMAN SYNDROME; FINNISH LETHAL NEONATAL METABOLIC SYNDROME. Identifiers: Orphanet 53693, MedGen C1864002, MONDO:0011308, OMIM 603358.
Mitochondrial complex III deficiency nuclear type 1. Identifiers: Orphanet 254902, MedGen C3541471, MONDO:0007415, OMIM 124000.

Submissions (8):

Labcorp Genetics (formerly Invitae), Labcorp
Classification: Pathogenic. Last evaluated: 2025-12-03. Review status: criteria provided, single submitter. Criteria: Invitae Variant Classification Sherloc (09022015). Collection method: clinical testing. Allele origin: germline.
Comment: This sequence change creates a premature translational stop signal (p.Glu133Aspfs*25) in the BCS1L gene. It is expected to result in an absent or disrupted protein product. Loss-of-function variants in BCS1L are known to be pathogenic (PMID: 12215968, 17314340, 19162478, 19508421, 22277166, 25895478). This variant is present in population databases (rs751484879, gnomAD 0.01%). This variant has not been reported in the literature in individuals affected with BCS1L-related conditions. ClinVar contains an entry for this variant (Variation ID: 631845). For these reasons, this variant has been classified as Pathogenic.

Natera, Inc.
Classification: Pathogenic for GRACILE syndrome. Last evaluated: 2025-09-11. Review status: criteria provided, single submitter. Criteria: Natera Variant Classification Schema (03/2026). Collection method: clinical testing. Allele origin: germline.
Comment: The c.399delA variant in BCS1L is a frameshift variant predicted to shift the reading frame beginning at codon 133 and leads to a stop codon 25 codons downstream. This variant is expected to result in nonsense mediated decay, truncation, or a dysfunctional protein product. This variant is rare in the general population with a frequency below the threshold expected for the associated phenotype(s). This variant has been observed in one or more individuals affected with the associated recessive disease, as either homozygous or compound heterozygous with a second variant (PMID: 28427446). Given the available evidence, this variant is classified as Pathogenic.

Fulgent Genetics
Classification: Pathogenic for Mitochondrial complex III deficiency nuclear type 1; Pili torti-deafness syndrome; GRACILE syndrome. Last evaluated: 2024-04-20. Review status: criteria provided, single submitter. Criteria: ACMG Guidelines, 2015. Collection method: clinical testing. Allele origin: germline.

Baylor Genetics
Classification: Pathogenic for Pili torti-deafness syndrome. Last evaluated: 2024-03-18. Review status: criteria provided, single submitter. Criteria: ACMG Guidelines, 2015. Collection method: clinical testing. Allele origin: unknown.

GeneDx
Classification: Pathogenic. Last evaluated: 2024-03-18. Review status: criteria provided, single submitter. Criteria: GeneDx Variant Classification Process June 2021. Collection method: clinical testing. Allele origin: germline. Affected: yes.
Comment: Frameshift variant predicted to result in protein truncation or nonsense mediated decay in a gene for which loss of function is a known mechanism of disease; Not observed at significant frequency in large population cohorts (gnomAD); This variant is associated with the following publications: (PMID: 17314340, 25895478, 33726816, 32304865, 28427446)

Women's Health and Genetics/Laboratory Corporation of America, LabCorp
Classification: Pathogenic for GRACILE syndrome. Last evaluated: 2024-03-08. Review status: criteria provided, single submitter. Criteria: LabCorp Variant Classification Summary - May 2015. Collection method: clinical testing. Allele origin: germline.
Comment: Variant summary: BCS1L c.399delA (p.Glu133AspfsX25) results in a premature termination codon, predicted to cause a truncation of the encoded protein or absence of the protein due to nonsense mediated decay, which are commonly known mechanisms for disease. The variant allele was found at a frequency of 7.6e-05 in 251496 control chromosomes. This frequency is not significantly higher than estimated for a pathogenic variant in BCS1L causing GRACILE Syndrome (7.6e-05 vs 0.00047), allowing no conclusion about variant significance. c.399delA has been reported in the literature in at least one individual affected with respiratory chain complex III deficiency (e.g. Tegelberg_BCS1L_OJRD_2017). To our knowledge, no experimental evidence demonstrating an impact on protein function has been reported. The following publication has been ascertained in the context of this evaluation (PMID: 28427446). ClinVar contains an entry for this variant (Variation ID: 631845). Based on the evidence outlined above, the variant was classified as pathogenic.

Revvity Omics, Revvity
Classification: Likely pathogenic. Last evaluated: 2022-04-01. Review status: criteria provided, single submitter. Criteria: ACMG Guidelines, 2015. Collection method: clinical testing. Allele origin: germline.

Blueprint Genetics
Classification: Likely pathogenic for BCS1L-related disorders. Last evaluated: 2021-12-06. Review status: criteria provided, single submitter. Criteria: ACMG Guidelines, 2015. Collection method: clinical testing. Allele origin: germline. Affected: yes. Observed: 3 variant alleles.

Literature cited by the submitters: PubMed 12215968 (cited by Labcorp Genetics (formerly Invitae), Labcorp); PubMed 17314340 (cited by Labcorp Genetics (formerly Invitae), Labcorp); PubMed 19162478 (cited by Labcorp Genetics (formerly Invitae), Labcorp); PubMed 19508421 (cited by Labcorp Genetics (formerly Invitae), Labcorp); PubMed 22277166 (cited by Labcorp Genetics (formerly Invitae), Labcorp); PubMed 25895478 (cited by Labcorp Genetics (formerly Invitae), Labcorp); PubMed 28427446 (cited by Natera, Inc. and Women's Health and Genetics/Laboratory Corporation of America, LabCorp).